The following is an entry in ClinVar:

NM_003114.5(SPAG1):c.2714C>T (p.Ser905Leu)

Gene: SPAG1 (sperm associated antigen 1; plus strand). Cytogenetic location: 8q22.2.
Variant type: single nucleotide variant.
Coding change: c.2714C>T on transcript NM_003114.5 (MANE Select); coding-DNA position 2714, C replaced by T.
Protein change: p.Ser905Leu; replaces serine 905 with leucine.
Molecular consequence: missense variant.
Genome position (GRCh38, 1-based): chr8:100,240,955, C>T. VCF-style: chr8-100240955-C-T. GRCh37 (hg19) VCF-style: chr8-101253183-C-T.
Other names: c.2714C>T, p.Ser905Leu (NM_001374321.1, NM_172218.3); short protein forms S905L.
Identifiers: ClinVar variation 242015 (VCV000242015.17), dbSNP rs142031266, ClinGen allele CA4827851.

ClinVar aggregate classification (germline): Conflicting classifications of pathogenicity. Review status: criteria provided, conflicting classifications (1 of 4 stars). 4 submissions from 4 submitters: Uncertain significance (2); Benign (1); Likely benign (1). Last evaluated 2025-12-31.

Conditions:
Primary ciliary dyskinesia 28. Also called: CILIARY DYSKINESIA, PRIMARY, 28, WITH OR WITHOUT SITUS INVERSUS. Identifiers: Orphanet 244, MedGen C3809706, MONDO:0014216, OMIM 615505.
Primary ciliary dyskinesia. Also called: Ciliary dyskinesia. Identifiers: Orphanet 244, MedGen C0008780, MONDO:0016575, HP:0012265.

Allele frequency attached by ClinVar (database versions not stated): TOPMed 0.00195; ESP Exome Variant Server 0.00254; 1000 Genomes Project 30x 0.00016; gnomAD exomes 0.00019 and 0.00047; 1000 Genomes Project 0.00020; ExAC 0.00060; gnomAD 0.00169 and 0.00181.
gnomAD v4.1: 549 of 1,609,926 alleles (0.034%); highest among the groups gnomAD compares: African/African-American, 0.59%; 4 homozygotes.

Submissions (4):

Labcorp Genetics (formerly Invitae), Labcorp
Classification: Likely benign for Primary ciliary dyskinesia 28. Last evaluated: 2025-12-31. Review status: criteria provided, single submitter. Criteria: Invitae Variant Classification Sherloc (09022015). Collection method: clinical testing. Allele origin: germline.

Blueprint Genetics
Classification: Uncertain significance. Last evaluated: 2024-06-10. Review status: criteria provided, single submitter. Criteria: ACMG Guidelines, 2015. Collection method: clinical testing. Allele origin: germline.

Baylor Genetics
Classification: Uncertain significance for Primary ciliary dyskinesia 28. Last evaluated: 2019-01-24. Review status: criteria provided, single submitter. Criteria: ACMG Guidelines, 2015. Collection method: clinical testing. Allele origin: maternal. Affected: yes.
Comment: This variant was determined to be of uncertain significance according to ACMG Guidelines, 2015 [PMID:25741868].

Ambry Genetics
Classification: Benign for Primary ciliary dyskinesia. Last evaluated: 2017-02-06. Review status: criteria provided, single submitter. Criteria: Ambry Variant Classification Scheme 2023. Collection method: clinical testing. Allele origin: germline.